The following is an entry in ClinVar:

NM_001034853.2(RPGR):c.1099C>G (p.Pro367Ala)

Gene: RPGR (retinitis pigmentosa GTPase regulator; minus strand). Cytogenetic location: Xp11.4.
Variant type: single nucleotide variant.
Coding change: c.1099C>G on transcript NM_001034853.2 (MANE Select); coding-DNA position 1099, C replaced by G.
Protein change: p.Pro367Ala; replaces proline 367 with alanine.
Molecular consequence: missense variant. On other transcripts: non-coding transcript variant (6), intron variant (2).
Genome position (GRCh38, 1-based): chrX:38,299,102, G>C on the plus strand (C>G on the coding strand, the complement: RPGR is on the minus strand). VCF-style: chrX-38299102-G-C. GRCh37 (hg19) VCF-style: chrX-38158355-G-C.
Other names: NM_001034853.2(RPGR):c.1099C>G; p.Pro367Ala; c.1099C>G, p.Pro367Ala (NM_000328.3, NM_001367247.1); c.1096C>G, p.Pro366Ala (NM_001367245.1, NM_001367249.1, NM_001367250.1); c.1129C>G, p.Pro377Ala (NM_001367248.1); c.1060-1650C>G (NM_001367251.1, NM_001367246.1); c.1099C>G (NM_001034853.1); short protein forms P367A, P377A, P366A.
Identifiers: ClinVar variation 525504 (VCV000525504.45), dbSNP rs769641256, ClinGen allele CA10385542.

ClinVar aggregate classification (germline): Likely benign. Review status: reviewed by expert panel (3 of 4 stars). 7 submissions from 7 submitters: Likely benign (1). 6 of the submissions do not count toward it. Last evaluated 2025-05-20.

Conditions:
RPGR-related retinopathy. Also called: RPGR retinopathy. Identifiers: MedGen CN305589, MONDO:0100437.
RPGR-related disorder. Also called: RPGR-related condition.
Retinal dystrophy. Also called: Inherited retinal dystrophy. Identifiers: Orphanet 71862, MedGen C0854723, MeSH D058499, MONDO:0019118, HP:0000556.
Primary ciliary dyskinesia. Also called: Ciliary dyskinesia. Identifiers: Orphanet 244, MedGen C0008780, MONDO:0016575, HP:0012265.

Allele frequency attached by ClinVar (database versions not stated): gnomAD 0.00003; TOPMed 0.00005.
gnomAD v4.1: 43 of 1,209,795 alleles (0.0036%); highest among the groups gnomAD compares: Non-Finnish European, 0.0041%; no homozygotes.

Submissions (7):

ClinGen X-linked Inherited Retinal Disease Variant Curation Expert Panel, ClinGen
Classification: Likely benign for RPGR-related retinopathy. Last evaluated: 2025-05-20. Review status: reviewed by expert panel. Criteria: ClinGen X LinkedIRD ACMG Specifications RPGR V1.0.0. Collection method: curation. Allele origin: germline. Inheritance: X-linked inheritance.
Comment: NM_001034853.2(RPGR):c.1099C>G (p.Pro367Ala) is a missense variant predicted to cause the substitution of proline by alanine at amino acid 367. This variant is present in gnomAD v.4.1.0 at a frequency of 0.00004278 among hemizygous individuals, with 17 variant alleles / 397,359 total alleles, which is higher than the ClinGen X-linked IRD VCEP BS1 threshold of >0.000005 (BS1). The computational predictor REVEL gives a score of 0.285, which is below the ClinGen X-linked IRD VCEP threshold of < 0.290 and predicts a non-damaging effect on RPGR function. Additionally, the splicing impact predictor SpliceAI gives a delta score of 0.02, which is below the ClinGen X-linked IRD VCEP recommended threshold of <0.1 and does not strongly predict an impact on splicing (BP4). In summary, this variant is classified as likely benign for RPGR-related retinopathy based on the ACMG/AMP criteria applied, as specified by the ClinGen X-linked IRD VCEP: BS1, BP4. (VCEP specifications version 1.0.0; date of approval 05/16/2025).

PreventionGenetics, part of Exact Sciences
Classification: Likely benign for RPGR-related condition. Last evaluated: 2026-05-13. Review status: criteria provided, single submitter. Criteria: ACMG Guidelines, 2015. Collection method: clinical testing. Allele origin: germline. Not counted in ClinVar's aggregate classification.
Comment: This variant is classified as likely benign based on ACMG/AMP sequence variant interpretation guidelines (Richards et al. 2015 PMID: 25741868, with internal and published modifications).

Labcorp Genetics (formerly Invitae), Labcorp
Classification: Likely benign for Primary ciliary dyskinesia. Last evaluated: 2025-01-15. Review status: criteria provided, single submitter. Criteria: Invitae Variant Classification Sherloc (09022015). Collection method: clinical testing. Allele origin: germline. Not counted in ClinVar's aggregate classification.

Blueprint Genetics
Classification: Likely benign. Last evaluated: 2024-11-11. Review status: criteria provided, single submitter. Criteria: ACMG Guidelines, 2015. Collection method: clinical testing. Allele origin: germline. Not counted in ClinVar's aggregate classification.

CeGaT Center for Human Genetics Tuebingen
Classification: Likely benign. Last evaluated: 2022-04-01. Review status: criteria provided, single submitter. Criteria: CeGaT Center For Human Genetics Tuebingen Variant Classification Criteria Version 2. Collection method: clinical testing. Allele origin: germline. Affected: yes. Observed: 2 variant alleles. Not counted in ClinVar's aggregate classification.
Comment: RPGR: BP4, BS1

Ambry Genetics
Classification: Uncertain significance for Primary ciliary dyskinesia. Last evaluated: 2021-03-30. Review status: criteria provided, single submitter. Criteria: Ambry Variant Classification Scheme 2023. Collection method: clinical testing. Allele origin: germline. Not counted in ClinVar's aggregate classification.
Comment: The p.P367A variant (also known as c.1099C>G), located in coding exon 10 of the RPGR gene, results from a C to G substitution at nucleotide position 1099. The proline at codon 367 is replaced by alanine, an amino acid with highly similar properties. This amino acid position is highly conserved in available vertebrate species. In addition, this alteration is predicted to be tolerated by in silico analysis. Since supporting evidence is limited at this time, the clinical significance of this alteration remains unclear.

Institute of Human Genetics, Univ. Regensburg, Univ. Regensburg
Classification: Uncertain significance for Retinal dystrophy. Last evaluated: 2021-01-01. Review status: no assertion criteria provided. Criteria: ACMG Guidelines, 2015. Collection method: clinical testing. Allele origin: germline. Affected: yes. Not counted in ClinVar's aggregate classification.